The following is an entry in ClinVar:

ClinVar aggregate classification (germline): Uncertain significance (1 of 4 stars; one submission).

Conditions:
NARS1-related disorder. Also called: NARS1-related condition.

gnomAD v4.1: 1 of 1,613,974 alleles (0.000062%); highest among the groups gnomAD compares: African/African-American, 0.0013%; no homozygotes.

Submission:

PreventionGenetics, part of Exact Sciences
Classification: Uncertain significance for NARS1-related condition. Last evaluated: 2024-11-09. Review status: criteria provided, single submitter. Criteria: ACMG Guidelines, 2015. Collection method: clinical testing. Allele origin: germline.
Comment: The NARS1 c.1006A>T variant is predicted to result in the amino acid substitution p.Thr336Ser. To our knowledge, this variant has not been reported in the literature. This variant is reported in 0.0062% of alleles in individuals of African descent in gnomAD. At this time, the clinical significance of this variant is uncertain due to the absence of conclusive functional and genetic evidence.

NM_004539.4(NARS1):c.1006A>T (p.Thr336Ser)

Gene: NARS1 (asparaginyl-tRNA synthetase 1; minus strand). Cytogenetic location: 18q21.31.
Variant type: single nucleotide variant.
Coding change: c.1006A>T on transcript NM_004539.4 (MANE Select); coding-DNA position 1006, A replaced by T.
Protein change: p.Thr336Ser; replaces threonine 336 with serine.
Molecular consequence: missense variant.
Genome position (GRCh38, 1-based): chr18:57,606,747, T>A on the plus strand (A>T on the coding strand, the complement: NARS1 is on the minus strand). VCF-style: chr18-57606747-T-A. GRCh37 (hg19) VCF-style: chr18-55273979-T-A.
Other names: short protein forms T336S.
Identifiers: ClinVar variation 5000223 (VCV005000223.1).